The following is an entry in ClinVar:

ClinVar aggregate classification (germline): Pathogenic (1 of 4 stars; one submission).

Conditions:
GNPTG-mucolipidosis. Also called: ML III GAMMA; ML IIIC; MUCOLIPIDOSIS III, COMPLEMENTATION GROUP C; MUCOLIPIDOSIS III, IRANIAN VARIANT FORM; MUCOLIPIDOSIS III, VARIANT FORM; Mucolipidosis type III gamma. Identifiers: Orphanet 423470, Orphanet 577, MedGen C1854896, MONDO:0009652, OMIM 252605.

Submission:

Myriad Genetics, Inc.
Classification: Pathogenic for GNPTG-mucolipidosis. Last evaluated: 2024-04-15. Review status: criteria provided, single submitter. Criteria: Myriad Autosomal Dominant, Autosomal Recessive and X-Linked Classification Criteria (2023). Collection method: clinical testing. Allele origin: unknown.
Comment: NM_032520.4(GNPTG):c.188_192dup5(F65Ifs*27) is expected to be pathogenic in the context of mucolipidosis III gamma. This variant is predicted to lead to an abnormal or absent protein product due to the creation of a premature termination codon in GNPTG, a gene where loss-of-function variants are known to be pathogenic. Please note: this variant was assessed in the context of healthy population screening.

NM_032520.5(GNPTG):c.188_192dup (p.Phe65fs)

Gene: GNPTG (N-acetylglucosamine-1-phosphate transferase subunit gamma; plus strand). Cytogenetic location: 16p13.3.
Variant type: Duplication.
Coding change: c.188_192dup on transcript NM_032520.5 (MANE Select); coding-DNA positions 188 to 192, 5 bases duplicated (ATCTC; older notation c.188_192dupATCTC).
Protein change: p.Phe65fs; shifts the reading frame from phenylalanine 65.
Molecular consequence: frameshift variant.
Genome position (GRCh38, 1-based): chr16:1,361,752-1,361,756, ATCTC duplicated; duplicating any 5 consecutive bases within chr16:1,361,751-1,361,756 gives the same sequence; the c. name uses the placement nearest the transcript's 3' end. VCF-style (leftmost placement, unchanged base first): chr16-1361750-G-GCATCT. GRCh37 (hg19) VCF-style: chr16-1411751-G-GCATCT.
Other names: short protein forms F65fs.
Identifiers: ClinVar variation 5012920 (VCV005012920.1).